The following is an entry in ClinVar:

ClinVar aggregate classification (germline): Pathogenic (1 of 4 stars; one submission).

Conditions:
Cardiovascular phenotype. Identifiers: MedGen CN230736.
Hereditary cancer-predisposing syndrome. Also called: Neoplastic Syndromes, Hereditary; Tumor predisposition; Hereditary neoplastic syndrome; Hereditary Cancer Syndrome. Identifiers: Orphanet 140162, MedGen C0027672, MeSH D009386, MONDO:0015356.

gnomAD v4.1: 5 of 1,613,576 alleles (0.00031%); highest among the groups gnomAD compares: South Asian, 0.0011%; no homozygotes.

Submission:

Ambry Genetics
Classification: Pathogenic for Cardiovascular phenotype; Hereditary cancer-predisposing syndrome. Last evaluated: 2026-07-15. Review status: criteria provided, single submitter. Criteria: Ambry Variant Classification Scheme 2023. Collection method: clinical testing. Allele origin: germline.
Comment: The p.Y749* pathogenic mutation (also known as c.2247C>G), located in coding exon 19 of the LZTR1 gene, results from a C to G substitution at nucleotide position 2247. This changes the amino acid from a tyrosine to a stop codon within coding exon 19. This alteration is expected to result in loss of function by premature protein truncation or nonsense-mediated mRNA decay. Loss-of-function variants in LZTR1 are related to an increased risk for schwannomas and autosomal recessive Noonan syndrome; however, such associations with autosomal dominant Noonan syndrome have not been observed (Piotrowski A et al. Nat Genet. 2014 Feb;46:182-7; Yamamoto GL et al. J Med Genet. 2015 Jun;52:413-21; Johnston JJ et al. Genet Med. 2018 10;20:1175-1185). Based on the supporting evidence, this variant is pathogenic for an increased risk of LZTR1-related schwannomatosis (SWN) and would be expected to cause autosomal recessive Noonan syndrome when present along with a second pathogenic or likely pathogenic variant on the other allele; however, the association of this variant with autosomal dominant Noonan syndrome is unlikely.

NM_006767.4(LZTR1):c.2247C>G (p.Tyr749Ter)

Gene: LZTR1 (leucine zipper like post translational regulator 1; plus strand). Cytogenetic location: 22q11.21.
Variant type: single nucleotide variant.
Coding change: c.2247C>G on transcript NM_006767.4 (MANE Select); coding-DNA position 2247, C replaced by G.
Protein change: p.Tyr749Ter; replaces tyrosine 749 with a stop codon.
Molecular consequence: nonsense.
Genome position (GRCh38, 1-based): chr22:20,996,723, C>G. VCF-style: chr22-20996723-C-G. GRCh37 (hg19) VCF-style: chr22-21351012-C-G.
Other names: short protein forms Y749*.
Identifiers: ClinVar variation 5023729 (VCV005023729.1).